The following is an entry in ClinVar:

NM_004944.4(DNASE1L3):c.112G>C (p.Asp38His)

Gene: DNASE1L3 (deoxyribonuclease 1L3; minus strand). Cytogenetic location: 3p14.3.
Variant type: single nucleotide variant.
Coding change: c.112G>C on transcript NM_004944.4 (MANE Select); coding-DNA position 112, G replaced by C.
Protein change: p.Asp38His; replaces aspartic acid 38 with histidine.
Molecular consequence: missense variant.
Genome position (GRCh38, 1-based): chr3:58,210,795, C>G on the plus strand (G>C on the coding strand, the complement: DNASE1L3 is on the minus strand). VCF-style: chr3-58210795-C-G. GRCh37 (hg19) VCF-style: chr3-58196522-C-G.
Other names: c.112G>C, p.Asp38His (NM_001256560.2); short protein forms D38H.
Identifiers: ClinVar variation 1442402 (VCV001442402.6), dbSNP rs148208826, ClinGen allele CA2470127.
Genomic context (GRCh38, chr3:58,210,795, plus strand): 5'-CTGGGATCCTCCTCCCAGGAAAGGGGCTCACCTTCACAATGACATCCATGGCATTCTTGT[C>G]TTCCTGCTTGCTTTCCCCAAAGGACCTGACGTTGAAGGAGCAGATCCTCATGGCCAGGGC-3'
Protein context (NP_004935.1, residues 28-48): VRSFGESKQE[Asp38His]KNAMDVIVKV

ClinVar aggregate classification (germline): Uncertain significance. Review status: criteria provided, multiple submitters, no conflicts (2 of 4 stars). 3 submissions from 3 submitters: Uncertain significance (3). Last evaluated 2024-01-22.

Conditions:
Autosomal systemic lupus erythematosus type 16. Also called: Systemic lupus erythematosus 16. Identifiers: Orphanet 300345, MedGen C3280742, MONDO:0013743, OMIM 614420.

Allele frequency attached by ClinVar (database versions not stated): ESP Exome Variant Server 0.00008; 1000 Genomes Project 30x 0.00031; 1000 Genomes Project 0.00040.
gnomAD v4.1: 331 of 1,614,192 alleles (0.021%); highest among the groups gnomAD compares: Middle Eastern, 0.13%; no homozygotes.

Submissions (3):

Labcorp Genetics (formerly Invitae), Labcorp
Classification: Uncertain significance. Last evaluated: 2024-01-22. Review status: criteria provided, single submitter. Criteria: Invitae Variant Classification Sherloc (09022015). Collection method: clinical testing. Allele origin: germline.
Comment: This sequence change replaces aspartic acid, which is acidic and polar, with histidine, which is basic and polar, at codon 38 of the DNASE1L3 protein (p.Asp38His). This variant is present in population databases (rs148208826, gnomAD 0.04%). This variant has not been reported in the literature in individuals affected with DNASE1L3-related conditions. ClinVar contains an entry for this variant (Variation ID: 1442402). An algorithm developed to predict the effect of missense changes on protein structure and function (PolyPhen-2) suggests that this variant is likely to be disruptive. Experimental studies have shown that this missense change does not substantially affect DNASE1L3 function (PMID: 24206041). In summary, the available evidence is currently insufficient to determine the role of this variant in disease. Therefore, it has been classified as a Variant of Uncertain Significance.

Fulgent Genetics
Classification: Uncertain significance for Autosomal systemic lupus erythematosus type 16. Last evaluated: 2022-02-24. Review status: criteria provided, single submitter. Criteria: ACMG Guidelines, 2015. Collection method: clinical testing. Allele origin: unknown.

Breakthrough Genomics
Classification: Uncertain significance. Review status: criteria provided, single submitter. Criteria: ACMG Guidelines, 2015. Collection method: not provided. Allele origin: germline. Inheritance: Autosomal recessive inheritance. Affected: yes.

Literature cited by the submitters: PubMed 24206041 (cited by Labcorp Genetics (formerly Invitae), Labcorp).